The following is an entry in ClinVar:

ClinVar aggregate classification (germline): Uncertain significance (1 of 4 stars; one submission).

Conditions:
Progressive familial heart block type IB (PFHB1B). Identifiers: Orphanet 871, MedGen C1970298, MONDO:0011474, OMIM 604559.

gnomAD v4.1: 7 of 1,613,962 alleles (0.00043%); highest among the groups gnomAD compares: East Asian, 0.0022%; no homozygotes.

Submission:

Juno Genomics, Hangzhou Juno Genomics, Inc
Classification: Uncertain significance for Progressive familial heart block type IB. Review status: criteria provided, single submitter. Criteria: ACMG Guidelines, 2015. Collection method: clinical testing. Allele origin: germline. Affected: yes.
Comment: Absent from controls (or at extremely low frequency if recessive) in Genome Aggregation Database, Exome Sequencing Project, 1000 Genomes Project, or Exome Aggregation Consortium.;Multiple lines of computational evidence support a deleterious effect on the gene or gene product (conservation, evolutionary, splicing impact, etc).

NM_017636.4(TRPM4):c.2890C>T (p.Arg964Cys)

Gene: TRPM4 (transient receptor potential cation channel subfamily M member 4; plus strand). Cytogenetic location: 19q13.33.
Variant type: single nucleotide variant.
Coding change: c.2890C>T on transcript NM_017636.4 (MANE Select); coding-DNA position 2890, C replaced by T.
Protein change: p.Arg964Cys; replaces arginine 964 with cysteine.
Molecular consequence: missense variant.
Genome position (GRCh38, 1-based): chr19:49,200,722, C>T. VCF-style: chr19-49200722-C-T. GRCh37 (hg19) VCF-style: chr19-49703979-C-T.
Other names: c.2455C>T, p.Arg819Cys (NM_001195227.2); c.2545C>T, p.Arg849Cys (NM_001321281.2); c.1282C>T, p.Arg428Cys (NM_001321282.2); c.2368C>T, p.Arg790Cys (NM_001321283.2); c.1828C>T, p.Arg610Cys (NM_001321285.2); short protein forms R428C, R610C, R790C, R819C, R849C, R964C.
Identifiers: ClinVar variation 3764711 (VCV003764711.2).